The following is an entry in ClinVar:

NM_172362.3(KCNH1):c.1740G>A (p.Pro580=)

Gene: KCNH1 (potassium voltage-gated channel subfamily H member 1; minus strand). Cytogenetic location: 1q32.2.
Variant type: single nucleotide variant.
Coding change: c.1740G>A on transcript NM_172362.3 (MANE Select); coding-DNA position 1740, G replaced by A.
Protein change: p.Pro580=; no amino-acid change (proline 580 retained).
Molecular consequence: synonymous variant.
Genome position (GRCh38, 1-based): chr1:210,797,683, C>T on the plus strand (G>A on the coding strand, the complement: KCNH1 is on the minus strand). VCF-style: chr1-210797683-C-T. GRCh37 (hg19) VCF-style: chr1-210971025-C-T.
Other names: c.1659G>A, p.Pro553= (NM_002238.4); c.1740G>A (NM_172362.2).
Identifiers: ClinVar variation 1583992 (VCV001583992.34), dbSNP rs145789974, ClinGen allele CA1379829.
Genomic context (GRCh38, chr1:210,797,683, plus strand): 5'-CACCGTCTGGAACTCCATGGCCAGTGCCCGGAGGCAGCCATCACTGGCCAGCCGGAAGGC[C>T]GGGTGCTCCTTGAACACCTTGCGGTTCAGGTGCACGCAGATGTCGGCTCTCATGTCCTTG-3'
Protein context (NP_758872.1, residues 570-590): HLNRKVFKEH[Pro580=]AFRLASDGCL

ClinVar aggregate classification (germline): Benign/Likely benign. Review status: criteria provided, multiple submitters, no conflicts (2 of 4 stars). 4 submissions from 4 submitters: Benign (1); Likely benign (3). Last evaluated 2026-01-28.

Conditions:
KCNH1-related disorder. Also called: KCNH1-related disorders; KCNH1-related condition.

Allele frequency attached by ClinVar (database versions not stated): TOPMed 0.00003; gnomAD 0.00005 and 0.00007; ESP Exome Variant Server 0.00008; gnomAD exomes 0.00009 and 0.00020; ExAC 0.00020.
gnomAD v4.1: 144 of 1,614,214 alleles (0.0089%); highest among the groups gnomAD compares: South Asian, 0.11%; 1 homozygote.

Submissions (4):

Labcorp Genetics (formerly Invitae), Labcorp
Classification: Benign. Last evaluated: 2026-01-28. Review status: criteria provided, single submitter. Criteria: Invitae Variant Classification Sherloc (09022015). Collection method: clinical testing. Allele origin: germline.

PreventionGenetics, part of Exact Sciences
Classification: Likely benign for KCNH1-related condition. Last evaluated: 2025-01-06. Review status: criteria provided, single submitter. Criteria: ACMG Guidelines, 2015. Collection method: clinical testing. Allele origin: germline.
Comment: This variant is classified as likely benign based on ACMG/AMP sequence variant interpretation guidelines (Richards et al. 2015 PMID: 25741868, with internal and published modifications).

Blueprint Genetics
Classification: Likely benign. Last evaluated: 2024-10-23. Review status: criteria provided, single submitter. Criteria: ACMG Guidelines, 2015. Collection method: clinical testing. Allele origin: germline.

CeGaT Center for Human Genetics Tuebingen
Classification: Likely benign. Last evaluated: 2023-02-01. Review status: criteria provided, single submitter. Criteria: CeGaT Center For Human Genetics Tuebingen Variant Classification Criteria Version 2. Collection method: clinical testing. Allele origin: germline. Affected: yes. Observed: 2 variant alleles.
Comment: KCNH1: BP4, BP7, BS1